The following is an entry in ClinVar:

NM_020791.4(TAOK1):c.2600T>C (p.Leu867Pro)

Gene: TAOK1 (TAO kinase 1; plus strand). Cytogenetic location: 17q11.2.
Variant type: single nucleotide variant.
Coding change: c.2600T>C on transcript NM_020791.4 (MANE Select); coding-DNA position 2600, T replaced by C.
Protein change: p.Leu867Pro; replaces leucine 867 with proline.
Molecular consequence: missense variant.
Genome position (GRCh38, 1-based): chr17:29,542,616, T>C. VCF-style: chr17-29542616-T-C. GRCh37 (hg19) VCF-style: chr17-27869634-T-C.
Other names: c.2156T>C, p.Leu719Pro (NM_025142.1); short protein forms L719P, L867P.
Identifiers: ClinVar variation 3390556 (VCV003390556.1).

ClinVar aggregate classification (germline): Uncertain significance (1 of 4 stars; one submission).

Submission:

GeneDx
Classification: Uncertain significance. Last evaluated: 2024-06-15. Review status: criteria provided, single submitter. Criteria: GeneDx Variant Classification Process June 2021. Collection method: clinical testing. Allele origin: germline. Affected: yes.
Comment: Not observed at significant frequency in large population cohorts (gnomAD); In silico analysis supports that this missense variant has a deleterious effect on protein structure/function; Has not been previously published as pathogenic or benign to our knowledge